The following is an entry in ClinVar:

NM_001845.6(COL4A1):c.4633A>G (p.Ile1545Val)

Gene: COL4A1 (collagen type IV alpha 1 chain; minus strand). Cytogenetic location: 13q34.
Variant type: single nucleotide variant.
Coding change: c.4633A>G on transcript NM_001845.6 (MANE Select); coding-DNA position 4633, A replaced by G.
Protein change: p.Ile1545Val; replaces isoleucine 1545 with valine.
Molecular consequence: missense variant.
Genome position (GRCh38, 1-based): chr13:110,161,199, T>C on the plus strand (A>G on the coding strand, the complement: COL4A1 is on the minus strand). VCF-style: chr13-110161199-T-C. GRCh37 (hg19) VCF-style: chr13-110813546-T-C.
Other names: short protein forms I1545V.
Identifiers: ClinVar variation 4537726 (VCV004537726.1).
Genomic context (GRCh38, chr13:110,161,199, plus strand): 5'-TAGAGACTTTTCCTCTTCAATTTTGCATTTGTTCCTACAGATGCTCGACTCACCTACTAA[T>C]AAATGGTCTTATGTTTTCCCCCGTGATGGGTGCCATTGACATGGGCATGGGCTCAGGGGT-3'
Protein context (NP_001836.3, residues 1535-1555): PITGENIRPF[Ile1545Val]SRCAVCEAPA

ClinVar aggregate classification (germline): Uncertain significance (1 of 4 stars; one submission).

gnomAD v4.1: 1 of 1,614,214 alleles (0.000062%); highest among the groups gnomAD compares: Non-Finnish European, 0.000085%; no homozygotes.

Submission:

GeneDx
Classification: Uncertain significance. Last evaluated: 2025-06-10. Review status: criteria provided, single submitter. Criteria: GeneDx Variant Classification Process June 2021. Collection method: clinical testing. Allele origin: germline. Affected: yes.
Comment: Not observed at significant frequency in large population cohorts (gnomAD); In silico analysis suggests that this missense variant does not alter protein structure/function; Has not been previously published as pathogenic or benign to our knowledge